The following is an entry in ClinVar:

NM_017565.4(FAM20A):c.134C>A (p.Pro45Gln)

Gene: FAM20A (FAM20A golgi associated secretory pathway pseudokinase; minus strand). Cytogenetic location: 17q24.2.
Variant type: single nucleotide variant.
Coding change: c.134C>A on transcript NM_017565.4 (MANE Select); coding-DNA position 134, C replaced by A.
Protein change: p.Pro45Gln; replaces proline 45 with glutamine.
Molecular consequence: missense variant. On other transcripts: 5 prime UTR variant (1).
Genome position (GRCh38, 1-based): chr17:68,600,533, G>T on the plus strand (C>A on the coding strand, the complement: FAM20A is on the minus strand). VCF-style: chr17-68600533-G-T. GRCh37 (hg19) VCF-style: chr17-66596674-G-T.
Other names: c.-507C>A (NM_001243746.2); short protein forms P45Q.
Identifiers: ClinVar variation 1804412 (VCV001804412.7), dbSNP rs376821996, ClinGen allele CA8730175.

ClinVar aggregate classification (germline): Conflicting classifications of pathogenicity. Review status: criteria provided, conflicting classifications (1 of 4 stars). 3 submissions from 3 submitters: Uncertain significance (1); Likely benign (2). Last evaluated 2026-09-24.

Conditions:
FAM20A-related disorder. Also called: FAM20A-related condition.

Allele frequency attached by ClinVar (database versions not stated): ExAC 0.00022; 1000 Genomes Project 0.00060; ESP Exome Variant Server 0.00068; 1000 Genomes Project 30x 0.00078.
gnomAD v4.1: 185 of 1,563,768 alleles (0.012%); highest among the groups gnomAD compares: African/African-American, 0.23%; no homozygotes.

Submissions (3):

PreventionGenetics, part of Exact Sciences
Classification: Likely benign for FAM20A-related condition. Last evaluated: 2026-09-24. Review status: criteria provided, single submitter. Criteria: ACMG Guidelines, 2015. Collection method: clinical testing. Allele origin: germline.
Comment: This variant is classified as likely benign based on ACMG/AMP sequence variant interpretation guidelines (Richards et al. 2015 PMID: 25741868, with internal and published modifications).

Labcorp Genetics (formerly Invitae), Labcorp
Classification: Likely benign. Last evaluated: 2026-01-25. Review status: criteria provided, single submitter. Criteria: Invitae Variant Classification Sherloc (09022015). Collection method: clinical testing. Allele origin: germline.

GeneDx
Classification: Uncertain significance. Last evaluated: 2022-12-14. Review status: criteria provided, single submitter. Criteria: GeneDx Variant Classification Process June 2021. Collection method: clinical testing. Allele origin: germline. Affected: yes.
Comment: In silico analysis supports that this missense variant has a deleterious effect on protein structure/function; Has not been previously published as pathogenic or benign to our knowledge